The following is an entry in ClinVar:

ClinVar aggregate classification (germline): Benign. Review status: criteria provided, multiple submitters, no conflicts (2 of 4 stars). 4 submissions from 4 submitters: Benign (3). 1 of the submissions does not count toward it. Last evaluated 2026-02-01.

Conditions:
KIAA0753-related disorder.

Allele frequency attached by ClinVar (database versions not stated): gnomAD exomes 0.00209 and 0.00520; ESP Exome Variant Server 0.02111; gnomAD 0.02220 and 0.02067; 1000 Genomes Project 30x 0.02545; 1000 Genomes Project 0.02356; ExAC 0.00655; TOPMed 0.02399.
gnomAD v4.1: 6,380 of 1,614,150 alleles (0.4%); highest among the groups gnomAD compares: African/African-American, 7.1%; 193 homozygotes.

Submissions (4):

Labcorp Genetics (formerly Invitae), Labcorp
Classification: Benign. Last evaluated: 2026-02-01. Review status: criteria provided, single submitter. Criteria: Invitae Variant Classification Sherloc (09022015). Collection method: clinical testing. Allele origin: germline.

GeneDx
Classification: Benign. Last evaluated: 2019-12-05. Review status: criteria provided, single submitter. Criteria: GeneDx Variant Classification Process June 2021. Collection method: clinical testing. Allele origin: germline. Affected: yes.

Breakthrough Genomics
Classification: Benign. Review status: criteria provided, single submitter. Criteria: ACMG Guidelines, 2015. Collection method: not provided. Allele origin: germline. Inheritance: Autosomal recessive inheritance. Affected: yes.

PreventionGenetics, part of Exact Sciences
Classification: Benign for KIAA0753-related condition. Last evaluated: 2020-01-02. Review status: no assertion criteria provided. Collection method: clinical testing. Allele origin: germline. Not counted in ClinVar's aggregate classification.
Comment: This variant is classified as benign based on ACMG/AMP sequence variant interpretation guidelines (Richards et al. 2015 PMID: 25741868, with internal and published modifications).

NM_014804.3(KIAA0753):c.655G>A (p.Val219Ile)

Gene: KIAA0753 (KIAA0753; minus strand). Cytogenetic location: 17p13.1.
Variant type: single nucleotide variant.
Coding change: c.655G>A on transcript NM_014804.3 (MANE Select); coding-DNA position 655, G replaced by A.
Protein change: p.Val219Ile; replaces valine 219 with isoleucine.
Molecular consequence: missense variant. On other transcripts: 5 prime UTR variant (1), non-coding transcript variant (3).
Genome position (GRCh38, 1-based): chr17:6,628,180, C>T on the plus strand (G>A on the coding strand, the complement: KIAA0753 is on the minus strand). VCF-style: chr17-6628180-C-T. GRCh37 (hg19) VCF-style: chr17-6531500-C-T.
Other names: c.-580G>A (NM_001351225.2); short protein forms V219I.
Identifiers: ClinVar variation 768826 (VCV000768826.15), dbSNP rs115325772, ClinGen allele CA8330733.